The following is an entry in ClinVar:

NM_020810.3(TRMT5):c.11+24G>C

Gene: TRMT5 (tRNA methyltransferase 5; minus strand). Cytogenetic location: 14q23.1.
Variant type: single nucleotide variant.
Coding change: c.11+24G>C on transcript NM_020810.3 (MANE Select); 24 bases into the intron after coding-DNA position 11, G replaced by C.
Molecular consequence: intron variant. On other transcripts: 5 prime UTR variant (1).
Genome position (GRCh38, 1-based): chr14:60,980,939, C>G on the plus strand (G>C on the coding strand, the complement: TRMT5 is on the minus strand). VCF-style: chr14-60980939-C-G. GRCh37 (hg19) VCF-style: chr14-61447657-C-G.
Other names: c.-4G>C (NM_001350254.1); c.95+85G>C (NM_001350253.1).
Identifiers: ClinVar variation 3054908 (VCV003054908.2), dbSNP rs1029322322, ClinGen allele CA614734319.

ClinVar aggregate classification (germline): Likely benign (0 of 4 stars; one submission).

Conditions:
TRMT5-related disorder. Also called: TRMT5-related condition.

Allele frequency attached by ClinVar (database versions not stated): gnomAD 0.00004.
gnomAD v4.1: 8 of 1,612,520 alleles (0.0005%); highest among the groups gnomAD compares: African/African-American, 0.0093%; no homozygotes.

Submission:

PreventionGenetics, part of Exact Sciences
Classification: Likely benign for TRMT5-related condition. Last evaluated: 2023-03-28. Review status: no assertion criteria provided. Collection method: clinical testing. Allele origin: germline.
Comment: This variant is classified as likely benign based on ACMG/AMP sequence variant interpretation guidelines (Richards et al. 2015 PMID: 25741868, with internal and published modifications).